The following is an entry in ClinVar:

NM_000038.6(APC):c.5556del (p.Pro1853fs)

Gene: APC (APC regulator of Wnt signaling pathway; plus strand). Cytogenetic location: 5q22.2.
Variant type: Deletion.
Coding change: c.5556del on transcript NM_000038.6 (MANE Select); coding-DNA position 5556, one base deleted (T; older notation c.5556delT).
Protein change: p.Pro1853fs; shifts the reading frame from proline 1853.
Molecular consequence: frameshift variant. On other transcripts: non-coding transcript variant (2).
Genome position (GRCh38, 1-based): chr5:112,841,150, T deleted. VCF-style (leftmost placement, unchanged base first): chr5-112841149-CT-C. GRCh37 (hg19) VCF-style: chr5-112176846-CT-C.
Other names: c.5556del, p.Pro1853fs (NM_001354895.2, NM_001127510.3, NM_001407450.1); c.5610del, p.Pro1871fs (NM_001354896.2, NM_001407447.1, NM_001407448.1 and 1 more transcripts); c.5283del, p.Pro1762fs (NM_001354902.2); c.5586del, p.Pro1863fs (NM_001354897.2); c.5481del, p.Pro1828fs (NM_001354898.2); c.5472del, p.Pro1825fs (NM_001354899.2); c.5433del, p.Pro1812fs (NM_001354900.2); c.5379del, p.Pro1794fs (NM_001354901.2, NM_001407453.1); and 11 more; short protein forms P1469fs, P1570fs, P1693fs, P1724fs, P1727fs, P1752fs, P1762fs, P1770fs.
Identifiers: ClinVar variation 2584070 (VCV002584070.2), dbSNP rs2533652248, ClinGen allele CA2582341452.
Genomic context (GRCh38, chr5:112,841,149, plus strand): 5'-ATAGAGTCAGAGGAAGTTTTGCTTTTGATTCACCTCATCATTACACGCCTATTGAAGGAA[CT>C]CCTTACTGTTTTTCACGAAATGATTCTTTGAGTTCTCTAGATTTTGATGATGATGATGTT-3'

ClinVar aggregate classification (germline): Pathogenic (1 of 4 stars; one submission).

Conditions:
Familial adenomatous polyposis 1 (FAP1). Also called: FAMILIAL ADENOMATOUS POLYPOSIS 1, ATTENUATED; POLYPOSIS, ADENOMATOUS INTESTINAL. Identifiers: MedGen C2713442, MONDO:0021056, OMIM 175100. Disease mechanism: loss of function.

Submission:

Myriad Genetics, Inc.
Classification: Pathogenic for Familial adenomatous polyposis 1. Last evaluated: 2023-05-12. Review status: criteria provided, single submitter. Criteria: Myriad Autosomal Dominant, Autosomal Recessive and X-Linked Classification Criteria (2023). Collection method: clinical testing. Allele origin: unknown.
Comment: This variant is considered pathogenic. This variant creates a frameshift predicted to result in premature protein truncation.